The following is an entry in ClinVar:

NM_006767.4(LZTR1):c.2291_2301del (p.Leu764fs)

Gene: LZTR1 (leucine zipper like post translational regulator 1; plus strand). Cytogenetic location: 22q11.21.
Variant type: Deletion.
Coding change: c.2291_2301del on transcript NM_006767.4 (MANE Select); coding-DNA positions 2291 to 2301, 11 bases deleted (TGGAGATGAAC).
Protein change: p.Leu764fs; shifts the reading frame from leucine 764.
Molecular consequence: frameshift variant.
Genome position (GRCh38, 1-based): chr22:20,996,767-20,996,777, TGGAGATGAAC deleted; deleting any 11 consecutive bases within chr22:20,996,766-20,996,777 gives the same sequence; the c. name uses the placement nearest the transcript's 3' end. VCF-style (leftmost placement, unchanged base first): chr22-20996765-CCTGGAGATGAA-C. GRCh37 (hg19) VCF-style: chr22-21351054-CCTGGAGATGAA-C.
Other names: short protein forms L764fs.
Identifiers: ClinVar variation 3541568 (VCV003541568.1).

ClinVar aggregate classification (germline): Pathogenic (1 of 4 stars; one submission).

Conditions:
Hereditary cancer-predisposing syndrome. Also called: Hereditary Cancer Syndrome; Hereditary neoplastic syndrome; Tumor predisposition; Neoplastic Syndromes, Hereditary. Identifiers: Orphanet 140162, MedGen C0027672, MeSH D009386, MONDO:0015356.
Cardiovascular phenotype. Identifiers: MedGen CN230736.

Submission:

Ambry Genetics
Classification: Pathogenic for Cardiovascular phenotype; Hereditary cancer-predisposing syndrome. Last evaluated: 2024-06-28. Review status: criteria provided, single submitter. Criteria: Ambry Variant Classification Scheme 2023. Collection method: clinical testing. Allele origin: germline.
Comment: The c.2291_2301del11 pathogenic mutation, located in coding exon 19 of the LZTR1 gene, results from a deletion of 11 nucleotides at nucleotide positions 2291 to 2301, causing a translational frameshift with a predicted alternate stop codon (p.L764Rfs*14). This alteration is expected to result in loss of function by premature protein truncation or nonsense-mediated mRNA decay. Loss-of-function variants in LZTR1 are related to an increased risk for schwannomas and autosomal recessive Noonan syndrome; however, such associations with autosomal dominant Noonan syndrome have not been observed (Piotrowski A et al. Nat Genet. 2014 Feb;46:182-7; Yamamoto GL et al. J Med Genet. 2015 Jun;52:413-21; Johnston JJ et al. Genet Med. 2018 10;20:1175-1185). Based on the supporting evidence, this variant is pathogenic for an increased risk of LZTR1-related schwannomatosis (SWN) and would be expected to cause autosomal recessive Noonan syndrome when present along with a second pathogenic or likely pathogenic variant on the other allele; however, the association of this alteration with autosomal dominant Noonan syndrome is unlikely.